The following is an entry in ClinVar:

ClinVar aggregate classification (germline): Pathogenic (1 of 4 stars; one submission).

Conditions:
Canavan Disease, Familial Form. Identifiers: MedGen C0751663.

Submission:

Women's Health and Genetics/Laboratory Corporation of America, LabCorp
Classification: Pathogenic for Canavan Disease, Familial Form. Last evaluated: 2022-08-19. Review status: criteria provided, single submitter. Criteria: LabCorp Variant Classification Summary - May 2015. Collection method: clinical testing. Allele origin: germline.
Comment: Variant summary: ASPA c.697dupC (p.Arg233ProfsX3) results in a premature termination codon, predicted to cause a truncation of the encoded protein or absence of the protein due to nonsense mediated decay, which are commonly known mechanisms for disease. Truncations downstream of this position have been classified as pathogenic by our laboratory. The variant was absent in 251424 control chromosomes (gnomAD). c.697dupC has been reported in the literature as a biallelic genotype in individuals affected with Canavan Disease (Zeng_2002, Al Abdi_2021). These data indicate that the variant is likely to be associated with disease. When cultured fibroblasts from a homozygous patient were assayed for ASPA enzymatic activity, no activity could be detected (Zeng_2002). No clinical diagnostic laboratories have submitted clinical-significance assessments for this variant to ClinVar after 2014. Based on the evidence outlined above, the variant was classified as pathogenic.

Literature cited by the submitters: PubMed 12638939; PubMed 34316023.

NM_000049.4(ASPA):c.697dup (p.Arg233fs)

Genes: ASPA (aspartoacylase; plus strand), SPATA22 (spermatogenesis associated 22; minus strand). Cytogenetic location: 17p13.2.
Variant type: Duplication.
Coding change: c.697dup on transcript NM_000049.4 (MANE Select); coding-DNA position 697, one base duplicated (C; older notation c.697dupC).
Protein change: p.Arg233fs; shifts the reading frame from arginine 233.
Molecular consequence: frameshift variant. On other transcripts: intron variant (2).
Genome position (GRCh38, 1-based): chr17:3,494,412, C duplicated; the last of 5 consecutive C bases (chr17:3,494,408-3,494,412); duplicating any one gives the same sequence. VCF-style (leftmost placement, unchanged base first): chr17-3494407-A-AC. GRCh37 (hg19) VCF-style: chr17-3397701-A-AC.
Other names: c.697dup, p.Arg233fs (NM_001128085.1); c.-74+19004dup (NM_001321336.2, NM_001321337.2); short protein forms R233fs.
Identifiers: ClinVar variation 1705145 (VCV001705145.1), dbSNP rs1057516315, ClinGen allele CA1139532427.